The following is an entry in ClinVar:

NM_001042492.3(NF1):c.7458-3C>A

Gene: NF1 (neurofibromin 1; plus strand). Cytogenetic location: 17q11.2.
Variant type: single nucleotide variant.
Coding change: c.7458-3C>A on transcript NM_001042492.3 (MANE Select); 3 bases into the intron before coding-DNA position 7458, C replaced by A.
Molecular consequence: intron variant.
Genome position (GRCh38, 1-based): chr17:31,352,254, C>A. VCF-style: chr17-31352254-C-A. GRCh37 (hg19) VCF-style: chr17-29679272-C-A.
Other names: c.7395-3C>A (NM_000267.4).
Identifiers: ClinVar variation 863338 (VCV000863338.7), dbSNP rs1158267419, ClinGen allele CA916080672.
Genomic context (GRCh38, chr17:31,352,254, plus strand): 5'-GCAAACGATGGTTGTATTTGTCACCATATTAATTGATTTTTCTCTATTGTTTTCATCTTT[C>A]AGGACACTAAAGGAGACTCAGCCATGGTCCTCTCCCAAAGGTTCTGAAGGATACCTTGCA-3'

ClinVar aggregate classification (germline): Uncertain significance. Review status: criteria provided, multiple submitters, no conflicts (2 of 4 stars). 2 submissions from 2 submitters: Uncertain significance (2). Last evaluated 2025-10-01.

Conditions:
Neurofibromatosis, type 1 (NF1). Also called: Neurofibromatosis, type I; VON RECKLINGHAUSEN DISEASE; Peripheral type neurofibromatosis; NEUROFIBROMATOSIS, TYPE I, SOMATIC. Identifiers: Orphanet 636, MedGen C0027831, MONDO:0018975, OMIM 162200. Disease mechanism: loss of function.
Hereditary cancer-predisposing syndrome. Also called: Tumor predisposition; Hereditary Cancer Syndrome; Neoplastic Syndromes, Hereditary; Hereditary neoplastic syndrome. Identifiers: Orphanet 140162, MedGen C0027672, MeSH D009386, MONDO:0015356.
Cardiovascular phenotype. Identifiers: MedGen CN230736.

Allele frequency attached by ClinVar (database versions not stated): gnomAD 0.00001.
gnomAD v4.1: 1 of 1,613,750 alleles (0.000062%); highest among the groups gnomAD compares: African/African-American, 0.0013%; no homozygotes.

Submissions (2):

Ambry Genetics
Classification: Uncertain significance for Cardiovascular phenotype; Hereditary cancer-predisposing syndrome. Last evaluated: 2025-10-01. Review status: criteria provided, single submitter. Criteria: Ambry Variant Classification Scheme 2023. Collection method: clinical testing. Allele origin: germline.
Comment: The c.7395-3C>A intronic variant results from a C to A substitution 3 nucleotides upstream from coding exon 50 in the NF1 gene. This nucleotide position is well conserved in available vertebrate species. In silico splice site analysis predicts that this alteration will not have any significant effect on splicing. Based on the available evidence, the clinical significance of this variant remains unclear.

Labcorp Genetics (formerly Invitae), Labcorp
Classification: Uncertain significance for Neurofibromatosis, type 1. Last evaluated: 2024-12-10. Review status: criteria provided, single submitter. Criteria: Invitae Variant Classification Sherloc (09022015). Collection method: clinical testing. Allele origin: germline.
Comment: This sequence change falls in intron 49 of the NF1 gene. It does not directly change the encoded amino acid sequence of the NF1 protein. It affects a nucleotide within the consensus splice site. This variant is not present in population databases (gnomAD no frequency). This variant has not been reported in the literature in individuals affected with NF1-related conditions. ClinVar contains an entry for this variant (Variation ID: 863338). Variants that disrupt the consensus splice site are a relatively common cause of aberrant splicing (PMID: 17576681, 9536098). Algorithms developed to predict the effect of sequence changes on RNA splicing suggest that this variant is not likely to affect RNA splicing. In summary, the available evidence is currently insufficient to determine the role of this variant in disease. Therefore, it has been classified as a Variant of Uncertain Significance.

Literature cited by the submitters: PubMed 17576681 (cited by Labcorp Genetics (formerly Invitae), Labcorp); PubMed 9536098 (cited by Labcorp Genetics (formerly Invitae), Labcorp).